The following is an entry in ClinVar:

ClinVar aggregate classification (germline): Likely benign (1 of 4 stars; one submission).

gnomAD v4.1: 29 of 1,614,056 alleles (0.0018%); highest among the groups gnomAD compares: African/African-American, 0.035%; no homozygotes.

Submission:

CeGaT Center for Human Genetics Tuebingen
Classification: Likely benign. Last evaluated: 2025-08-01. Review status: criteria provided, single submitter. Criteria: CeGaT Center For Human Genetics Tuebingen Variant Classification Criteria Version 2. Collection method: clinical testing. Allele origin: germline. Affected: yes. Observed: 1 variant allele.
Comment: CTNNA2: BP4, BP7

NM_001282597.3(CTNNA2):c.1398T>C (p.Ala466=)

Gene: CTNNA2 (catenin alpha 2; plus strand). Cytogenetic location: 2p12.
Variant type: single nucleotide variant.
Coding change: c.1398T>C on transcript NM_001282597.3 (MANE Select); coding-DNA position 1398, T replaced by C.
Protein change: p.Ala466=; no amino-acid change (alanine 466 retained).
Molecular consequence: synonymous variant.
Genome position (GRCh38, 1-based): chr2:80,545,921, T>C. VCF-style: chr2-80545921-T-C. GRCh37 (hg19) VCF-style: chr2-80773046-T-C.
Other names: c.1398T>C, p.Ala466= (NM_001164883.2, NM_001399737.1, NM_004389.4); c.1500T>C, p.Ala500= (NM_001282598.2); c.435T>C, p.Ala145= (NM_001282599.2); c.294T>C, p.Ala98= (NM_001282600.2, NM_001320810.2).
Identifiers: ClinVar variation 4085109 (VCV004085109.8).